The following is an entry in ClinVar:

ClinVar aggregate classification (germline): Pathogenic (1 of 4 stars; one submission).

Conditions:
Granulomatous disease, chronic, X-linked. Also called: CYTOCHROME b-NEGATIVE GRANULOMATOUS DISEASE, CHRONIC, X-LINKED; GRANULOMATOUS DISEASE, CHRONIC, X-LINKED, SOMATIC MOSAIC. Identifiers: Orphanet 379, MedGen C1844376, MONDO:0010600, OMIM 306400.

Submission:

Labcorp Genetics (formerly Invitae), Labcorp
Classification: Pathogenic for Granulomatous disease, chronic, X-linked. Last evaluated: 2024-04-16. Review status: criteria provided, single submitter. Criteria: Invitae Variant Classification Sherloc (09022015). Collection method: clinical testing. Allele origin: germline.
Comment: This sequence change replaces cysteine, which is neutral and slightly polar, with arginine, which is basic and polar, at codon 257 of the CYBB protein (p.Cys257Arg). This variant is not present in population databases (gnomAD no frequency). This missense change has been observed in individuals with chronic granulomatous disease (PMID: 18762975, 20729109; Invitae). ClinVar contains an entry for this variant (Variation ID: 1504925). Advanced modeling of protein sequence and biophysical properties (such as structural, functional, and spatial information, amino acid conservation, physicochemical variation, residue mobility, and thermodynamic stability) performed at Invitae indicates that this missense variant is expected to disrupt CYBB protein function with a positive predictive value of 95%. For these reasons, this variant has been classified as Pathogenic.

Literature cited by the submitters: PubMed 18762975; PubMed 20729109.

NM_000397.4(CYBB):c.769T>C (p.Cys257Arg)

Gene: CYBB (cytochrome b-245 beta chain; plus strand). Cytogenetic location: Xp21.1.
Variant type: single nucleotide variant.
Coding change: c.769T>C on transcript NM_000397.4 (MANE Select); coding-DNA position 769, T replaced by C.
Protein change: p.Cys257Arg; replaces cysteine 257 with arginine.
Molecular consequence: missense variant.
Genome position (GRCh38, 1-based): chrX:37,799,049, T>C. VCF-style: chrX-37799049-T-C. GRCh37 (hg19) VCF-style: chrX-37658302-T-C.
Other names: short protein forms C257R.
Identifiers: ClinVar variation 1504925 (VCV001504925.8), dbSNP rs2146813743, ClinGen allele CA412976680.